The following is an entry in ClinVar:

ClinVar aggregate classification (germline): Uncertain significance (1 of 4 stars; one submission).

Conditions:
Primary ciliary dyskinesia 5. Also called: CILIARY DYSKINESIA, PRIMARY, 5, WITHOUT SITUS INVERSUS. Identifiers: Orphanet 244, MedGen C1837615, MONDO:0012088, OMIM 608647.

Allele frequency attached by ClinVar (database versions not stated): gnomAD exomes 0.00001; ExAC 0.00002; gnomAD 0.00003; TOPMed 0.00003.
gnomAD v4.1: 24 of 1,613,126 alleles (0.0015%); highest among the groups gnomAD compares: African/African-American, 0.0067%; no homozygotes.

Submission:

Royal Brompton Clinical Genetics And Genomics Laboratory, NHS South East Genomic Laboratory Hub
Classification: Uncertain significance for Primary ciliary dyskinesia 5. Last evaluated: 2024-03-06. Review status: criteria provided, single submitter. Criteria: RBHT-CGGL ClinVar Assertion Criteria. Collection method: clinical testing. Allele origin: germline. Affected: yes. Observed: 1 variant allele.
Comment: 2 siblings Compound heterozygous with VUS NM_001270974.2:c.3640A>G

NM_001270974.2(HYDIN):c.1949G>A (p.Arg650His)

Gene: HYDIN (HYDIN axonemal central pair apparatus protein; minus strand). Cytogenetic location: 16q22.2.
Variant type: single nucleotide variant.
Coding change: c.1949G>A on transcript NM_001270974.2 (MANE Select); coding-DNA position 1949, G replaced by A.
Protein change: p.Arg650His; replaces arginine 650 with histidine.
Molecular consequence: missense variant.
Genome position (GRCh38, 1-based): chr16:71,069,292, C>T on the plus strand (G>A on the coding strand, the complement: HYDIN is on the minus strand). VCF-style: chr16-71069292-C-T. GRCh37 (hg19) VCF-style: chr16-71103195-C-T.
Other names: c.2030G>A, p.Arg677His (NM_001198542.1); c.2000G>A, p.Arg667His (NM_001198543.1); c.1949G>A, p.Arg650His (NM_017558.5); short protein forms R650H, R667H, R677H.
Identifiers: ClinVar variation 3027490 (VCV003027490.1), dbSNP rs746310702, ClinGen allele CA8151255.